The following is an entry in ClinVar:

NM_133433.4(NIPBL):c.6577A>G (p.Ile2193Val)

Gene: NIPBL (NIPBL cohesin loading factor; plus strand). Cytogenetic location: 5p13.2.
Variant type: single nucleotide variant.
Coding change: c.6577A>G on transcript NM_133433.4 (MANE Select); coding-DNA position 6577, A replaced by G.
Protein change: p.Ile2193Val; replaces isoleucine 2193 with valine.
Molecular consequence: missense variant.
Genome position (GRCh38, 1-based): chr5:37,046,187, A>G. VCF-style: chr5-37046187-A-G. GRCh37 (hg19) VCF-style: chr5-37046289-A-G.
Other names: c.6577A>G, p.Ile2193Val (NM_015384.5); short protein forms I2193V.
Identifiers: ClinVar variation 977340 (VCV000977340.6), dbSNP rs1368217611, ClinGen allele CA359506375.
Genomic context (GRCh38, chr5:37,046,187, plus strand): 5'-GTACTTGAACTATTGATGTATTTTACAAAACACTCAGATGAAGAAGTACAAACAAAAGCT[A>G]TCATTGGTCTAGGTAAGTCTAAATTTCTTTATAATTTGTAGCTATTTGAGAGGGATAGAG-3'
Protein context (NP_597677.2, residues 2183-2203): HSDEEVQTKA[Ile2193Val]IGLGFAFIQH

ClinVar aggregate classification (germline): Conflicting classifications of pathogenicity. Review status: criteria provided, conflicting classifications (1 of 4 stars). 4 submissions from 4 submitters: Uncertain significance (3); Likely benign (1). Last evaluated 2025-09-16.

Conditions:
Cornelia de Lange syndrome 1 (CDLS1). Also called: Brachmann de Lange syndrome; TYPUS DEGENERATIVUS AMSTELODAMENSIS; NIPBL-Related Cornelia de Lange Syndrome. Identifiers: Orphanet 199, MedGen C4551851, MONDO:0007387, OMIM 122470.

Allele frequency attached by ClinVar (database versions not stated): gnomAD exomes below 0.00001 and 0.00001.
gnomAD v4.1: 7 of 1,555,912 alleles (0.00045%); highest among the groups gnomAD compares: African/African-American, 0.0014%; no homozygotes.

Submissions (4):

Labcorp Genetics (formerly Invitae), Labcorp
Classification: Uncertain significance for Cornelia de Lange syndrome 1. Last evaluated: 2025-09-16. Review status: criteria provided, single submitter. Criteria: Invitae Variant Classification Sherloc (09022015). Collection method: clinical testing. Allele origin: germline.
Comment: This sequence change replaces isoleucine, which is neutral and non-polar, with valine, which is neutral and non-polar, at codon 2193 of the NIPBL protein (p.Ile2193Val). This variant is present in population databases (no rsID available, gnomAD 0.0009%). This variant has not been reported in the literature in individuals affected with NIPBL-related conditions. ClinVar contains an entry for this variant (Variation ID: 977340). Invitae Evidence Modeling of protein sequence and biophysical properties (such as structural, functional, and spatial information, amino acid conservation, physicochemical variation, residue mobility, and thermodynamic stability) has been performed for this missense variant. However, the output from this modeling did not meet the statistical confidence thresholds required to predict the impact of this variant on NIPBL protein function. In summary, the available evidence is currently insufficient to determine the role of this variant in disease. Therefore, it has been classified as a Variant of Uncertain Significance.

Blueprint Genetics
Classification: Likely benign. Last evaluated: 2024-05-24. Review status: criteria provided, single submitter. Criteria: ACMG Guidelines, 2015. Collection method: clinical testing. Allele origin: germline.

Fulgent Genetics
Classification: Uncertain significance for Cornelia de Lange syndrome 1. Last evaluated: 2021-12-30. Review status: criteria provided, single submitter. Criteria: ACMG Guidelines, 2015. Collection method: clinical testing. Allele origin: unknown.

New York Genome Center
Classification: Uncertain significance for Cornelia de Lange syndrome 1. Last evaluated: 2019-11-21. Review status: criteria provided, single submitter. Criteria: NYGC Assertion Criteria 2020. Collection method: clinical testing. Allele origin: germline. Observed: 1 heterozygote. Study: CSER-NYCKidSeq.